The following is an entry in ClinVar:

ClinVar aggregate classification (germline): Uncertain significance. Review status: criteria provided, multiple submitters, no conflicts (2 of 4 stars). 3 submissions from 3 submitters: Uncertain significance (3). Last evaluated 2025-03-30.

Conditions:
Long QT syndrome (LQTS). Identifiers: MedGen C0023976, MeSH D008133, MONDO:0002442. Disease mechanism: loss of function. Inheritance: Various modes of inheritance.
Cardiovascular phenotype. Identifiers: MedGen CN230736.

Allele frequency attached by ClinVar (database versions not stated): gnomAD 0.00001; gnomAD exomes 0.00002 and 0.00005; ExAC 0.00005; 1000 Genomes Project 30x 0.00016; 1000 Genomes Project 0.00020.
gnomAD v4.1: 35 of 1,540,438 alleles (0.0023%); highest among the groups gnomAD compares: South Asian, 0.043%; 1 homozygote.

Submissions (3):

Labcorp Genetics (formerly Invitae), Labcorp
Classification: Uncertain significance for Long QT syndrome. Last evaluated: 2025-03-30. Review status: criteria provided, single submitter. Criteria: Invitae Variant Classification Sherloc (09022015). Collection method: clinical testing. Allele origin: germline.
Comment: This sequence change replaces aspartic acid, which is acidic and polar, with valine, which is neutral and non-polar, at codon 356 of the AKAP9 protein (p.Asp356Val). This variant is present in population databases (rs533277424, gnomAD 0.04%). This variant has not been reported in the literature in individuals affected with AKAP9-related conditions. ClinVar contains an entry for this variant (Variation ID: 222487). An algorithm developed to predict the effect of missense changes on protein structure and function (PolyPhen-2) suggests that this variant is likely to be tolerated. In summary, the available evidence is currently insufficient to determine the role of this variant in disease. Therefore, it has been classified as a Variant of Uncertain Significance.

Blueprint Genetics
Classification: Uncertain significance. Last evaluated: 2022-07-13. Review status: criteria provided, single submitter. Criteria: ACMG Guidelines, 2015. Collection method: clinical testing. Allele origin: germline.

Ambry Genetics
Classification: Uncertain significance for Cardiovascular phenotype. Last evaluated: 2020-04-21. Review status: criteria provided, single submitter. Criteria: Ambry Variant Classification Scheme 2023. Collection method: clinical testing. Allele origin: germline.
Comment: The p.D356V variant (also known as c.1067A>T), located in coding exon 8 of the AKAP9 gene, results from an A to T substitution at nucleotide position 1067. The aspartic acid at codon 356 is replaced by valine, an amino acid with highly dissimilar properties. This amino acid position is not well conserved in available vertebrate species. In addition, this alteration is predicted to be tolerated by in silico analysis. Since supporting evidence is limited at this time, the clinical significance of this alteration remains unclear.

NM_005751.5(AKAP9):c.1067A>T (p.Asp356Val)

Gene: AKAP9 (A-kinase anchoring protein 9; plus strand). Cytogenetic location: 7q21.2.
Variant type: single nucleotide variant.
Coding change: c.1067A>T on transcript NM_005751.5 (MANE Select); coding-DNA position 1067, A replaced by T.
Protein change: p.Asp356Val; replaces aspartic acid 356 with valine.
Molecular consequence: missense variant.
Genome position (GRCh38, 1-based): chr7:92,000,984, A>T. VCF-style: chr7-92000984-A-T. GRCh37 (hg19) VCF-style: chr7-91630298-A-T.
Other names: c.1067A>T, p.Asp356Val (NM_147185.3); short protein forms D356V.
Identifiers: ClinVar variation 222487 (VCV000222487.7), dbSNP rs533277424, ClinGen allele CA067791.